The following is an entry in ClinVar:

ClinVar aggregate classification (germline): Uncertain significance (1 of 4 stars; one submission).

Allele frequency attached by ClinVar (database versions not stated): gnomAD exomes below 0.00001; ExAC 0.00001.
gnomAD v4.1: 2 of 1,613,168 alleles (0.00012%); highest among the groups gnomAD compares: Middle Eastern, 0.016%; no homozygotes.

Submission:

Labcorp Genetics (formerly Invitae), Labcorp
Classification: Uncertain significance. Last evaluated: 2022-03-20. Review status: criteria provided, single submitter. Criteria: Invitae Variant Classification Sherloc (09022015). Collection method: clinical testing. Allele origin: germline.
Comment: In summary, the available evidence is currently insufficient to determine the role of this variant in disease. Therefore, it has been classified as a Variant of Uncertain Significance. Algorithms developed to predict the effect of missense changes on protein structure and function output the following: SIFT: "Tolerated"; PolyPhen-2: "Benign"; Align-GVGD: "Class C0". The serine amino acid residue is found in multiple mammalian species, which suggests that this missense change does not adversely affect protein function. This variant has not been reported in the literature in individuals affected with MCM3AP-related conditions. This variant is not present in population databases (gnomAD no frequency). This sequence change replaces threonine, which is neutral and polar, with serine, which is neutral and polar, at codon 1533 of the MCM3AP protein (p.Thr1533Ser).

NM_003906.5(MCM3AP):c.4598C>G (p.Thr1533Ser)

Genes: MCM3AP (minichromosome maintenance complex component 3 associated protein; minus strand), MCM3AP-AS1 (MCM3AP antisense RNA 1; plus strand). Cytogenetic location: 21q22.3.
Variant type: single nucleotide variant.
Coding change: c.4598C>G on transcript NM_003906.5 (MANE Select); coding-DNA position 4598, C replaced by G.
Protein change: p.Thr1533Ser; replaces threonine 1533 with serine.
Molecular consequence: missense variant.
Genome position (GRCh38, 1-based): chr21:46,246,356, G>C on the plus strand (C>G on the coding strand, the complement: MCM3AP is on the minus strand). VCF-style: chr21-46246356-G-C. GRCh37 (hg19) VCF-style: chr21-47666270-G-C.
Other names: short protein forms T1533S.
Identifiers: ClinVar variation 1960179 (VCV001960179.5), dbSNP rs752006940, ClinGen allele CA10076074.